The following is an entry in ClinVar:

NM_004092.4(ECHS1):c.734A>T (p.Asn245Ile)

Gene: ECHS1 (enoyl-CoA hydratase, short chain 1; minus strand). Cytogenetic location: 10q26.3.
Variant type: single nucleotide variant.
Coding change: c.734A>T on transcript NM_004092.4 (MANE Select); coding-DNA position 734, A replaced by T.
Protein change: p.Asn245Ile; replaces asparagine 245 with isoleucine.
Molecular consequence: missense variant.
Genome position (GRCh38, 1-based): chr10:133,365,981, T>A on the plus strand (A>T on the coding strand, the complement: ECHS1 is on the minus strand). VCF-style: chr10-133365981-T-A. GRCh37 (hg19) VCF-style: chr10-135179485-T-A.
Other names: short protein forms N245I.
Identifiers: ClinVar variation 1302235 (VCV001302235.2), dbSNP rs1064796957, ClinGen allele CA378818336.

ClinVar aggregate classification (germline): Uncertain significance (1 of 4 stars; one submission).

Submission:

GeneDx
Classification: Uncertain significance. Last evaluated: 2019-04-05. Review status: criteria provided, single submitter. Criteria: GeneDx Variant Classification Process June 2021. Collection method: clinical testing. Allele origin: germline. Affected: yes.
Comment: Not observed in large population cohorts (Lek et al., 2016); In silico analysis, which includes protein predictors and evolutionary conservation, supports a deleterious effect; Has not been previously published as pathogenic or benign to our knowledge